The following is an entry in ClinVar:

NM_001365951.3(KIF1B):c.1508T>C (p.Met503Thr)

Gene: KIF1B (kinesin family member 1B; plus strand). Cytogenetic location: 1p36.22.
Variant type: single nucleotide variant.
Coding change: c.1508T>C on transcript NM_001365951.3 (MANE Select); coding-DNA position 1508, T replaced by C.
Protein change: p.Met503Thr; replaces methionine 503 with threonine.
Molecular consequence: missense variant.
Genome position (GRCh38, 1-based): chr1:10,291,155, T>C. VCF-style: chr1-10291155-T-C. GRCh37 (hg19) VCF-style: chr1-10351213-T-C.
Other names: c.1508T>C, p.Met503Thr (NM_001365952.1); c.1370T>C, p.Met457Thr (NM_001365953.1, NM_015074.3, NM_183416.4); short protein forms M503T, M457T.
Identifiers: ClinVar variation 2914365 (VCV002914365.4), dbSNP rs2521348583, ClinGen allele CA338313198.

ClinVar aggregate classification (germline): Uncertain significance. Review status: criteria provided, multiple submitters, no conflicts (2 of 4 stars). 2 submissions from 2 submitters: Uncertain significance (2). Last evaluated 2026-02-25.

Conditions:
Charcot-Marie-Tooth disease type 2. Also called: Charcot-Marie-Tooth type 2. Identifiers: Orphanet 64746, MedGen C0270914, MONDO:0018993.

Submissions (2):

Ambry Genetics
Classification: Uncertain significance. Last evaluated: 2026-02-25. Review status: criteria provided, single submitter. Criteria: Ambry Variant Classification Scheme 2023. Collection method: clinical testing. Allele origin: germline.
Comment: The p.M457T variant (also known as c.1370T>C), located in coding exon 13 of the KIF1B gene, results from a T to C substitution at nucleotide position 1370. The methionine at codon 457 is replaced by threonine, an amino acid with similar properties. This amino acid position is conserved. In addition, the in silico prediction for this alteration is inconclusive. Based on the available evidence, the clinical significance of this variant remains unclear.

Labcorp Genetics (formerly Invitae), Labcorp
Classification: Uncertain significance for Charcot-Marie-Tooth disease type 2. Last evaluated: 2023-05-30. Review status: criteria provided, single submitter. Criteria: Invitae Variant Classification Sherloc (09022015). Collection method: clinical testing. Allele origin: germline.
Comment: In summary, the available evidence is currently insufficient to determine the role of this variant in disease. Therefore, it has been classified as a Variant of Uncertain Significance. An algorithm developed to predict the effect of missense changes on protein structure and function (PolyPhen-2) suggests that this variant is likely to be tolerated. This variant has not been reported in the literature in individuals affected with KIF1B-related conditions. This variant is not present in population databases (gnomAD no frequency). This sequence change replaces methionine, which is neutral and non-polar, with threonine, which is neutral and polar, at codon 457 of the KIF1B protein (p.Met457Thr).